The following is an entry in ClinVar:

ClinVar aggregate classification (germline): Uncertain significance (1 of 4 stars; one submission).

Conditions:
Inborn genetic diseases. Identifiers: MedGen C0950123, MeSH D030342.

Submission:

Ambry Genetics
Classification: Uncertain significance for Inborn genetic diseases. Last evaluated: 2025-01-19. Review status: criteria provided, single submitter. Criteria: Ambry Variant Classification Scheme 2023. Collection method: clinical testing. Allele origin: germline.
Comment: The p.D590N variant (also known as c.1768G>A), located in coding exon 15 of the BUB1B gene, results from a G to A substitution at nucleotide position 1768. The aspartic acid at codon 590 is replaced by asparagine, an amino acid with highly similar properties. This amino acid position is conserved. In addition, this alteration is predicted to be tolerated by in silico analysis. Based on the available evidence, the clinical significance of this variant remains unclear.

NM_001211.6(BUB1B):c.1768G>A (p.Asp590Asn)

Gene: BUB1B (BUB1 mitotic checkpoint serine/threonine kinase B; plus strand). Cytogenetic location: 15q15.1.
Variant type: single nucleotide variant.
Coding change: c.1768G>A on transcript NM_001211.6 (MANE Select); coding-DNA position 1768, G replaced by A.
Protein change: p.Asp590Asn; replaces aspartic acid 590 with asparagine.
Molecular consequence: missense variant.
Genome position (GRCh38, 1-based): chr15:40,206,217, G>A. VCF-style: chr15-40206217-G-A. GRCh37 (hg19) VCF-style: chr15-40498418-G-A.
Other names: short protein forms D590N.
Identifiers: ClinVar variation 3826102 (VCV003826102.1).
Genomic context (GRCh38, chr15:40,206,217, plus strand): 5'-CTAAACTTTATATGGTCTTTATTTCAGGATGAATTTACAGGAATTGAACCCTTGAGCGAG[G>A]ATGCCATTATCACAGGCTTCAGAAATGTAACAATTTGTCCTAACCCAGAAGACACTTGTG-3'
Protein context (NP_001202.5, residues 580-600): EFTGIEPLSE[Asp590Asn]AIITGFRNVT